The following is an entry in ClinVar:

NM_015512.5(DNAH1):c.11359C>T (p.Arg3787Cys)

Gene: DNAH1 (dynein axonemal heavy chain 1; plus strand). Cytogenetic location: 3p21.1.
Variant type: single nucleotide variant.
Coding change: c.11359C>T on transcript NM_015512.5 (MANE Select); coding-DNA position 11359, C replaced by T.
Protein change: p.Arg3787Cys; replaces arginine 3787 with cysteine.
Molecular consequence: missense variant.
Genome position (GRCh38, 1-based): chr3:52,396,467, C>T. VCF-style: chr3-52396467-C-T. GRCh37 (hg19) VCF-style: chr3-52430483-C-T.
Other names: short protein forms R3787C.
Identifiers: ClinVar variation 2152792 (VCV002152792.2), dbSNP rs1399171568, ClinGen allele CA353078088.

ClinVar aggregate classification (germline): Uncertain significance (1 of 4 stars; one submission).

Conditions:
Ciliary dyskinesia, primary, 37 (CILD37). Also called: CILIARY DYSKINESIA, PRIMARY, 37, WITH OR WITHOUT SITUS INVERSUS. Identifiers: MedGen C4539798, MONDO:0033204, OMIM 617577.
Spermatogenic failure 18. Identifiers: MedGen C4539783, MONDO:0054615, OMIM 617576.

Allele frequency attached by ClinVar (database versions not stated): gnomAD exomes 0.00001; gnomAD 0.00002; TOPMed 0.00003.
gnomAD v4.1: 18 of 1,602,040 alleles (0.0011%); highest among the groups gnomAD compares: Admixed American, 0.0034%; no homozygotes.

Submission:

Labcorp Genetics (formerly Invitae), Labcorp
Classification: Uncertain significance for Ciliary dyskinesia, primary, 37; Spermatogenic failure 18. Last evaluated: 2022-08-30. Review status: criteria provided, single submitter. Criteria: Invitae Variant Classification Sherloc (09022015). Collection method: clinical testing. Allele origin: germline.
Comment: In summary, the available evidence is currently insufficient to determine the role of this variant in disease. Therefore, it has been classified as a Variant of Uncertain Significance. Algorithms developed to predict the effect of missense changes on protein structure and function are either unavailable or do not agree on the potential impact of this missense change (SIFT: "Deleterious"; PolyPhen-2: "Probably Damaging"; Align-GVGD: "Class C0"). This variant has not been reported in the literature in individuals affected with DNAH1-related conditions. The frequency data for this variant in the population databases is considered unreliable, as metrics indicate poor data quality at this position in the gnomAD database. This sequence change replaces arginine, which is basic and polar, with cysteine, which is neutral and slightly polar, at codon 3787 of the DNAH1 protein (p.Arg3787Cys).